The following is an entry in ClinVar:

NM_001354930.2(RIPK1):c.1647T>G (p.Ile549Met)

Gene: RIPK1 (receptor interacting serine/threonine kinase 1; plus strand). Cytogenetic location: 6p25.2.
Variant type: single nucleotide variant.
Coding change: c.1647T>G on transcript NM_001354930.2 (MANE Select); coding-DNA position 1647, T replaced by G.
Protein change: p.Ile549Met; replaces isoleucine 549 with methionine.
Molecular consequence: missense variant.
Genome position (GRCh38, 1-based): chr6:3,110,873, T>G. VCF-style: chr6-3110873-T-G. GRCh37 (hg19) VCF-style: chr6-3111107-T-G.
Other names: c.1158T>G, p.Ile386Met (NM_001317061.3, NM_001354932.2, NM_001354933.2 and 1 more transcripts); c.1509T>G, p.Ile503Met (NM_001354931.2); c.1647T>G, p.Ile549Met (NM_003804.6); short protein forms I549M, I386M, I503M.
Identifiers: ClinVar variation 1925350 (VCV001925350.6), dbSNP rs1205619578, ClinGen allele CA362576500.
Genomic context (GRCh38, chr6:3,110,873, plus strand): 5'-AAAATATACCATATACAATAGTACTGGCATTCAGATTGGAGCCTACAATTATATGGAGAT[T>G]GGTGGGACGAGTTCATCACTACTAGACAGCACAAATACGAACTTCAAAGAAGAGCCAGCT-3'
Protein context (NP_001341859.1, residues 539-559): IQIGAYNYME[Ile549Met]GGTSSSLLDS

ClinVar aggregate classification (germline): Uncertain significance. Review status: criteria provided, multiple submitters, no conflicts (2 of 4 stars). 2 submissions from 2 submitters: Uncertain significance (2). Last evaluated 2022-10-28.

Allele frequency attached by ClinVar (database versions not stated): gnomAD exomes below 0.00001.
gnomAD v4.1: 1 of 1,607,734 alleles (0.000062%); highest among the groups gnomAD compares: Admixed American, 0.0017%; no homozygotes.

Submissions (2):

Blueprint Genetics
Classification: Uncertain significance. Last evaluated: 2022-10-28. Review status: criteria provided, single submitter. Criteria: ACMG Guidelines, 2015. Collection method: clinical testing. Allele origin: germline.

Labcorp Genetics (formerly Invitae), Labcorp
Classification: Uncertain significance. Last evaluated: 2022-05-06. Review status: criteria provided, single submitter. Criteria: Invitae Variant Classification Sherloc (09022015). Collection method: clinical testing. Allele origin: germline.
Comment: Algorithms developed to predict the effect of missense changes on protein structure and function output the following: SIFT: "Not Available"; PolyPhen-2: "Benign"; Align-GVGD: "Not Available". The methionine amino acid residue is found in multiple mammalian species, which suggests that this missense change does not adversely affect protein function. This sequence change replaces isoleucine, which is neutral and non-polar, with methionine, which is neutral and non-polar, at codon 549 of the RIPK1 protein (p.Ile549Met). This variant is not present in population databases (gnomAD no frequency). This variant has not been reported in the literature in individuals affected with RIPK1-related conditions. In summary, the available evidence is currently insufficient to determine the role of this variant in disease. Therefore, it has been classified as a Variant of Uncertain Significance.